The following is an entry in ClinVar:

ClinVar aggregate classification (germline): Uncertain significance (1 of 4 stars; one submission).

Conditions:
Hereditary cancer-predisposing syndrome. Also called: Hereditary Cancer Syndrome; Tumor predisposition; Hereditary neoplastic syndrome; Neoplastic Syndromes, Hereditary. Identifiers: Orphanet 140162, MedGen C0027672, MeSH D009386, MONDO:0015356.
Cardiovascular phenotype. Identifiers: MedGen CN230736.

Submission:

Ambry Genetics
Classification: Uncertain significance for Cardiovascular phenotype; Hereditary cancer-predisposing syndrome. Last evaluated: 2024-09-25. Review status: criteria provided, single submitter. Criteria: Ambry Variant Classification Scheme 2023. Collection method: clinical testing. Allele origin: germline.
Comment: The p.S1474G variant (also known as c.4420A>G), located in coding exon 33 of the NF1 gene, results from an A to G substitution at nucleotide position 4420. The serine at codon 1474 is replaced by glycine, an amino acid with similar properties. This amino acid position is conserved. In addition, the in silico prediction for this alteration is inconclusive. Based on the available evidence, the clinical significance of this variant remains unclear.

NM_001042492.3(NF1):c.4483A>G (p.Ser1495Gly)

Gene: NF1 (neurofibromin 1; plus strand). Cytogenetic location: 17q11.2.
Variant type: single nucleotide variant.
Coding change: c.4483A>G on transcript NM_001042492.3 (MANE Select); coding-DNA position 4483, A replaced by G.
Protein change: p.Ser1495Gly; replaces serine 1495 with glycine.
Molecular consequence: missense variant.
Genome position (GRCh38, 1-based): chr17:31,260,421, A>G. VCF-style: chr17-31260421-A-G. GRCh37 (hg19) VCF-style: chr17-29587439-A-G.
Other names: c.4420A>G, p.Ser1474Gly (NM_000267.4); short protein forms S1474G, S1495G.
Identifiers: ClinVar variation 3404768 (VCV003404768.1).